The following is an entry in ClinVar:

NM_015072.5(TTLL5):c.265-3C>G

Gene: TTLL5 (tubulin tyrosine ligase like 5; plus strand). Cytogenetic location: 14q24.3.
Variant type: single nucleotide variant.
Coding change: c.265-3C>G on transcript NM_015072.5 (MANE Select); 3 bases into the intron before coding-DNA position 265, C replaced by G.
Molecular consequence: intron variant.
Genome position (GRCh38, 1-based): chr14:75,683,547, C>G. VCF-style: chr14-75683547-C-G. GRCh37 (hg19) VCF-style: chr14-76149890-C-G.
Identifiers: ClinVar variation 2085574 (VCV002085574.4), dbSNP rs1884794433, ClinGen allele CA2147598196.

ClinVar aggregate classification (germline): Uncertain significance (1 of 4 stars; one submission).

Allele frequency attached by ClinVar (database versions not stated): gnomAD exomes below 0.00001; TOPMed 0.00002.
gnomAD v4.1: 6 of 1,612,320 alleles (0.00037%); highest among the groups gnomAD compares: Non-Finnish European, 0.00051%; no homozygotes.

Submission:

Labcorp Genetics (formerly Invitae), Labcorp
Classification: Uncertain significance. Last evaluated: 2023-11-13. Review status: criteria provided, single submitter. Criteria: Invitae Variant Classification Sherloc (09022015). Collection method: clinical testing. Allele origin: germline.
Comment: This sequence change falls in intron 4 of the TTLL5 gene. It does not directly change the encoded amino acid sequence of the TTLL5 protein. It affects a nucleotide within the consensus splice site. This variant is not present in population databases (gnomAD no frequency). This variant has not been reported in the literature in individuals affected with TTLL5-related conditions. ClinVar contains an entry for this variant (Variation ID: 2085574). Variants that disrupt the consensus splice site are a relatively common cause of aberrant splicing (PMID: 17576681, 9536098). Algorithms developed to predict the effect of sequence changes on RNA splicing suggest that this variant may disrupt the consensus splice site. In summary, the available evidence is currently insufficient to determine the role of this variant in disease. Therefore, it has been classified as a Variant of Uncertain Significance.

Literature cited by the submitters: PubMed 17576681; PubMed 9536098.